The following is an entry in ClinVar:

NM_002471.4(MYH6):c.5642A>G (p.Lys1881Arg)

Gene: MYH6 (myosin heavy chain 6; minus strand). Cytogenetic location: 14q11.2.
Variant type: single nucleotide variant.
Coding change: c.5642A>G on transcript NM_002471.4 (MANE Select); coding-DNA position 5642, A replaced by G.
Protein change: p.Lys1881Arg; replaces lysine 1881 with arginine.
Molecular consequence: missense variant.
Genome position (GRCh38, 1-based): chr14:23,383,244, T>C on the plus strand (A>G on the coding strand, the complement: MYH6 is on the minus strand). VCF-style: chr14-23383244-T-C. GRCh37 (hg19) VCF-style: chr14-23852453-T-C.
Other names: short protein forms K1881R.
Identifiers: ClinVar variation 496160 (VCV000496160.16), dbSNP rs750886219, ClinGen allele CA7114330.

ClinVar aggregate classification (germline): Conflicting classifications of pathogenicity. Review status: criteria provided, conflicting classifications (1 of 4 stars). 5 submissions from 5 submitters: Uncertain significance (3); Likely benign (2). Last evaluated 2025-12-06.

Conditions:
Cardiomyopathy (CMYO). Also called: Cardiomyopathies. Identifiers: Orphanet 167848, MedGen C0878544, MONDO:0004994, HP:0001638. Inheritance: Various modes of inheritance.
Hypertrophic cardiomyopathy 14. Identifiers: MedGen C2750467, MONDO:0013197, OMIM 613251.
Primary dilated cardiomyopathy (DCM). Also called: Dilated Cardiomyopathy. Identifiers: Orphanet 217604, MedGen C0007193, MeSH D002311, MONDO:0005021, HP:0001644. Inheritance: Various modes of inheritance.
Cardiovascular phenotype. Identifiers: MedGen CN230736.

Allele frequency attached by ClinVar (database versions not stated): gnomAD exomes 0.00001 and 0.00002; ExAC 0.00004; gnomAD 0.00005; TOPMed 0.00009.
gnomAD v4.1: 19 of 1,605,866 alleles (0.0012%); highest among the groups gnomAD compares: African/African-American, 0.02%; no homozygotes.

Submissions (5):

Labcorp Genetics (formerly Invitae), Labcorp
Classification: Uncertain significance for Hypertrophic cardiomyopathy 14. Last evaluated: 2025-12-06. Review status: criteria provided, single submitter. Criteria: Invitae Variant Classification Sherloc (09022015). Collection method: clinical testing. Allele origin: germline.
Comment: This sequence change replaces lysine, which is basic and polar, with arginine, which is basic and polar, at codon 1881 of the MYH6 protein (p.Lys1881Arg). This variant is present in population databases (rs750886219, gnomAD 0.03%). This variant has not been reported in the literature in individuals affected with MYH6-related conditions. ClinVar contains an entry for this variant (Variation ID: 496160). Invitae Evidence Modeling of protein sequence and biophysical properties (such as structural, functional, and spatial information, amino acid conservation, physicochemical variation, residue mobility, and thermodynamic stability) has been performed for this missense variant. However, the output from this modeling did not meet the statistical confidence thresholds required to predict the impact of this variant on MYH6 protein function. In summary, the available evidence is currently insufficient to determine the role of this variant in disease. Therefore, it has been classified as a Variant of Uncertain Significance.

Ambry Genetics
Classification: Uncertain significance for Cardiovascular phenotype. Last evaluated: 2025-06-28. Review status: criteria provided, single submitter. Criteria: Ambry Variant Classification Scheme 2023. Collection method: clinical testing. Allele origin: germline.
Comment: The p.K1881R variant (also known as c.5642A>G), located in coding exon 35 of the MYH6 gene, results from an A to G substitution at nucleotide position 5642. The lysine at codon 1881 is replaced by arginine, an amino acid with highly similar properties. This amino acid position is highly conserved in available vertebrate species. In addition, the in silico prediction for this alteration is inconclusive. Since supporting evidence is limited at this time, the clinical significance of this alteration remains unclear.

CHEO Genetics Diagnostic Laboratory, Children's Hospital of Eastern Ontario
Classification: Uncertain significance for Cardiomyopathy. Last evaluated: 2021-08-09. Review status: criteria provided, single submitter. Criteria: ACMG Guidelines, 2015. Collection method: clinical testing. Allele origin: germline.

Center for Advanced Laboratory Medicine, UC San Diego Health, University of California San Diego
Classification: Likely benign for Dilated cardiomyopathy. Last evaluated: 2019-05-08. Review status: criteria provided, single submitter. Criteria: ACMG Guidelines, 2015. Collection method: clinical testing. Allele origin: germline. Affected: yes. Observed: 1 variant allele.

Women's Health and Genetics/Laboratory Corporation of America, LabCorp
Classification: Likely benign. Last evaluated: 2016-09-29. Review status: criteria provided, single submitter. Criteria: LabCorp Variant Classification Summary - May 2015. Collection method: clinical testing. Allele origin: germline.
Comment: Variant summary: The MYH6 c.5642A>G (p.Lys1881Arg) variant involves the alteration of a conserved nucleotide. 3/4 in silico tools predict a damaging outcome for this variant (SNPs&GO not captured due to low reliability index). This variant was found in 5/121356 control chromosomes, predominantly observed in the African subpopulation at a frequency of 0.0004807 (5/10402). This frequency is about 19 times the estimated maximal expected allele frequency of a pathogenic MYH6 variant (0.000025), suggesting this is likely a benign polymorphism found primarily in the populations of African origin. The variant of interest has not, to our knowledge, been reported in affected individuals via publications and/or reputable databases/clinical diagnostic laboratories; nor evaluated for functional impact by in vivo/vitro studies. Taken together, this variant is classified as likely benign.